The following is an entry in ClinVar:

ClinVar aggregate classification (germline): Uncertain significance (1 of 4 stars; one submission).

Conditions:
Hereditary cancer-predisposing syndrome. Also called: Neoplastic Syndromes, Hereditary; Tumor predisposition; Hereditary Cancer Syndrome; Hereditary neoplastic syndrome. Identifiers: Orphanet 140162, MedGen C0027672, MeSH D009386, MONDO:0015356.

Submission:

Labcorp Genetics (formerly Invitae), Labcorp
Classification: Uncertain significance for Hereditary cancer-predisposing syndrome. Last evaluated: 2022-11-23. Review status: criteria provided, single submitter. Criteria: Invitae Variant Classification Sherloc (09022015). Collection method: clinical testing. Allele origin: germline.
Comment: This sequence change replaces glutamic acid, which is acidic and polar, with aspartic acid, which is acidic and polar, at codon 384 of the RAD50 protein (p.Glu384Asp). In summary, the available evidence is currently insufficient to determine the role of this variant in disease. Therefore, it has been classified as a Variant of Uncertain Significance. Advanced modeling of protein sequence and biophysical properties (such as structural, functional, and spatial information, amino acid conservation, physicochemical variation, residue mobility, and thermodynamic stability) performed at Invitae indicates that this missense variant is not expected to disrupt RAD50 protein function. This variant has not been reported in the literature in individuals affected with RAD50-related conditions. This variant is not present in population databases (gnomAD no frequency).

NM_005732.4(RAD50):c.1152G>T (p.Glu384Asp)

Gene: RAD50 (RAD50 double strand break repair protein; plus strand). Cytogenetic location: 5q31.1.
Variant type: single nucleotide variant.
Coding change: c.1152G>T on transcript NM_005732.4 (MANE Select); coding-DNA position 1152, G replaced by T.
Protein change: p.Glu384Asp; replaces glutamic acid 384 with aspartic acid.
Molecular consequence: missense variant.
Genome position (GRCh38, 1-based): chr5:132,588,787, G>T. VCF-style: chr5-132588787-G-T. GRCh37 (hg19) VCF-style: chr5-131924479-G-T.
Other names: short protein forms E384D.
Identifiers: ClinVar variation 2816073 (VCV002816073.3), dbSNP rs2149841120, ClinGen allele CA360942700.